The following is an entry in ClinVar:

ClinVar aggregate classification (germline): Uncertain significance (1 of 4 stars; one submission).

Conditions:
Bethlem myopathy 1A. Also called: MYOPATHY, BENIGN CONGENITAL, WITH CONTRACTURES; Bethlem myopathy 1; Bethlem Muscular Dystrophy. Identifiers: Orphanet 610, MedGen CN029274, MONDO:0024530, OMIM 158810.

Submission:

Labcorp Genetics (formerly Invitae), Labcorp
Classification: Uncertain significance for Bethlem myopathy 1A. Last evaluated: 2024-02-24. Review status: criteria provided, single submitter. Criteria: Invitae Variant Classification Sherloc (09022015). Collection method: clinical testing. Allele origin: germline.
Comment: This sequence change replaces asparagine, which is neutral and polar, with serine, which is neutral and polar, at codon 673 of the COL6A3 protein (p.Asn673Ser). This variant is not present in population databases (gnomAD no frequency). This variant has not been reported in the literature in individuals affected with COL6A3-related conditions. ClinVar contains an entry for this variant (Variation ID: 2128604). Advanced modeling of protein sequence and biophysical properties (such as structural, functional, and spatial information, amino acid conservation, physicochemical variation, residue mobility, and thermodynamic stability) performed at Invitae indicates that this missense variant is not expected to disrupt COL6A3 protein function with a negative predictive value of 95%. In summary, the available evidence is currently insufficient to determine the role of this variant in disease. Therefore, it has been classified as a Variant of Uncertain Significance.

NM_004369.4(COL6A3):c.2018A>G (p.Asn673Ser)

Gene: COL6A3 (collagen type VI alpha 3 chain; minus strand). Cytogenetic location: 2q37.3.
Variant type: single nucleotide variant.
Coding change: c.2018A>G on transcript NM_004369.4 (MANE Select); coding-DNA position 2018, A replaced by G.
Protein change: p.Asn673Ser; replaces asparagine 673 with serine.
Molecular consequence: missense variant. On other transcripts: intron variant (1).
Genome position (GRCh38, 1-based): chr2:237,379,115, T>C on the plus strand (A>G on the coding strand, the complement: COL6A3 is on the minus strand). VCF-style: chr2-237379115-T-C. GRCh37 (hg19) VCF-style: chr2-238287758-T-C.
Other names: c.797A>G, p.Asn266Ser (NM_057164.5); c.1400A>G, p.Asn467Ser (NM_057165.5, NM_057167.4); c.677-1771A>G (NM_057166.5); short protein forms N467S, N266S, N673S.
Identifiers: ClinVar variation 2128604 (VCV002128604.4), dbSNP rs2469921132, ClinGen allele CA351214933.
Genomic context (GRCh38, chr2:237,379,115, plus strand): 5'-AAAGAGAACTCCGTTACAGGAGTGTCACTAAATTGCACTAAACCAACACGAATATTGTCA[T>C]TTCCAATATCAAGGCTGTTAACTAGGTTCATTACAAAGTCGCGCACATAAGGGAAATTGG-3'
Protein context (NP_004360.2, residues 663-683): MNLVNSLDIG[Asn673Ser]DNIRVGLVQF